The following is an entry in ClinVar:

NM_001042492.3(NF1):c.2251G>A (p.Gly751Arg)

Gene: NF1 (neurofibromin 1; plus strand). Cytogenetic location: 17q11.2.
Variant type: single nucleotide variant.
Coding change: c.2251G>A on transcript NM_001042492.3 (MANE Select); coding-DNA position 2251, G replaced by A.
Protein change: p.Gly751Arg; replaces glycine 751 with arginine.
Molecular consequence: missense variant.
Genome position (GRCh38, 1-based): chr17:31,226,684, G>A. VCF-style: chr17-31226684-G-A. GRCh37 (hg19) VCF-style: chr17-29553702-G-A.
Other names: p.Gly751Arg; c.2251G>A, p.Gly751Arg (NM_000267.4); short protein forms G751R.
Identifiers: ClinVar variation 655108 (VCV000655108.14), dbSNP rs1567847681, ClinGen allele CA398982595.

ClinVar aggregate classification (germline): Pathogenic/Likely pathogenic. Review status: criteria provided, multiple submitters, no conflicts (2 of 4 stars). 5 submissions from 5 submitters: Pathogenic (3); Likely pathogenic (2). Last evaluated 2025-11-28.
ClinVar aggregate classification (oncogenicity): Likely oncogenic (1 of 4 stars; one submission).

Conditions:
Neurofibromatosis, type 1 (NF1). Also called: VON RECKLINGHAUSEN DISEASE; NEUROFIBROMATOSIS, TYPE I, SOMATIC; Peripheral type neurofibromatosis; Neurofibromatosis, type I. Identifiers: Orphanet 636, MedGen C0027831, MONDO:0018975, OMIM 162200. Disease mechanism: loss of function.
Cardiovascular phenotype. Identifiers: MedGen CN230736.
Hereditary cancer-predisposing syndrome. Also called: Neoplastic Syndromes, Hereditary; Hereditary neoplastic syndrome; Hereditary Cancer Syndrome; Tumor predisposition. Identifiers: Orphanet 140162, MedGen C0027672, MeSH D009386, MONDO:0015356.
Neoplasm. Also called: Neoplasms; Neoplasm (disease); tumor. Identifiers: MedGen C0027651, MeSH D009369, MONDO:0005070, HP:0002664.

Submissions (6):

Center for Genomic Medicine, Rigshospitalet, Copenhagen University Hospital
Classification: Likely oncogenic for Neoplasm. Last evaluated: 2025-12-29. Review status: criteria provided, single submitter. Criteria: ClinGen/CGC/VICC Guidelines for Oncogenicity, 2022. Collection method: clinical testing. Allele origin: somatic. Affected: yes.

Labcorp Genetics (formerly Invitae), Labcorp
Classification: Pathogenic for Neurofibromatosis, type 1. Last evaluated: 2025-11-28. Review status: criteria provided, single submitter. Criteria: Invitae Variant Classification Sherloc (09022015). Collection method: clinical testing. Allele origin: germline.
Comment: This sequence change replaces glycine, which is neutral and non-polar, with arginine, which is basic and polar, at codon 751 of the NF1 protein (p.Gly751Arg). RNA analysis indicates that this missense change induces altered splicing and may result in an absent or altered protein product. This variant is not present in population databases (gnomAD no frequency). This missense change has been observed in individual(s) with clinical features of neurofibromatosis type 1 (PMID: 16944272, 18546366, 30530636; internal data). Invitae Evidence Modeling of clinical and family history, age, sex, and reported ancestry of multiple individuals with this NF1 variant has been performed. This variant is expected to be pathogenic with a positive predictive value of at least 99%. This is a validated machine learning model that incorporates the clinical features of 1,785,918 individuals referred to our laboratory for NF1 testing. ClinVar contains an entry for this variant (Variation ID: 655108). An algorithm developed to predict the effect of missense changes on protein structure and function (PolyPhen-2) suggests that this variant is likely to be disruptive. Variants that disrupt the consensus splice site are a relatively common cause of aberrant splicing (PMID: 17576681, 9536098). Studies have shown that this missense change results in skipping of exon 18, and produces a non-functional protein and/or introduces a premature termination codon (PMID: 18546366). This variant disrupts the c.2251G nucleotide in the NF1 gene. Other variant(s) that disrupt this nucleotide have been determined to be pathogenic (PMID: 31370276; internal data). This suggests that this nucleotide is clinically significant, and that variants that disrupt this position are likely to be disease-causing. For these reasons, this variant has been classified as Pathogenic.

GeneDx
Classification: Pathogenic. Last evaluated: 2025-10-01. Review status: criteria provided, single submitter. Criteria: GeneDx Variant Classification Process June 2021. Collection method: clinical testing. Allele origin: germline. Affected: yes.
Comment: Not observed at significant frequency in large population cohorts (gnomAD); This variant is associated with the following publications: (PMID: 16944272, 17576681, 30530636, 31370276, 25486365, 9536098, 33877690, 18546366, 40225167)

Mayo Clinic Laboratories, Mayo Clinic
Classification: Likely pathogenic. Last evaluated: 2025-03-28. Review status: criteria provided, single submitter. Criteria: ACMG Guidelines, 2015. Collection method: clinical testing. Allele origin: germline. Observed: 1 variant allele.
Comment: PP1, PP4, PM2_supporting, PVS1_strong

Ambry Genetics
Classification: Pathogenic for Cardiovascular phenotype; Hereditary cancer-predisposing syndrome. Last evaluated: 2022-12-08. Review status: criteria provided, single submitter. Criteria: Ambry Variant Classification Scheme 2023. Collection method: clinical testing. Allele origin: germline.
Comment: The c.2251G>A pathogenic mutation (also known as p.G751R), located in coding exon 18 of the NF1 gene, results from a G to A substitution at nucleotide position 2251. The amino acid change results in glycine to arginine at codon 751, an amino acid with dissimilar properties. However, this change occurs in the last base pair of coding exon 18, which makes it likely to have some effect on normal mRNA splicing. This mutation has been detected in multiple individuals with a clinical diagnosis or suspicion of neurofibromatosis type 1 (Griffiths S et al. Fam Cancer, 2007;6:21-34; Pros E et al. Hum Mutat, 2008 Sep;29:E173-93; Frayling IM et al. J Med Genet, 2019 04;56:209-219; Ambry internal data). This variant is considered to be rare based on population cohorts in the Genome Aggregation Database (gnomAD). This nucleotide position is highly conserved in available vertebrate species. In silico splice site analysis predicts that this alteration may weaken the native splice donor site and may result in the creation or strengthening of a novel splice donor site. RNA studies have demonstrated that this alteration results in skipping of exon 18 (Pros E et al. Hum Mutat, 2008 Sep;29:E173-93; Ambry internal data). Based on the supporting evidence, this alteration is interpreted as a disease-causing mutation.

3billion
Classification: Likely pathogenic for Neurofibromatosis, type 1. Last evaluated: 2022-05-22. Review status: criteria provided, single submitter. Criteria: ACMG Guidelines, 2015. Collection method: clinical testing. Allele origin: germline. Affected: yes. Observed: 1 heterozygote.
Comment: The variant is not observed in the gnomAD v2.1.1 dataset. Missense changes are a common disease-causing mechanism. In silico tool predictions suggest damaging effect of the variant on gene or gene product (REVEL: 0.61; 3Cnet: 1.00). Different nucleotide change resulting in same amino acid change has been previously reported to be associated with NF1 related disorder (ClinVar ID: VCV000584927). The variant has been observed in at least two similarly affected unrelated individuals (PMID: 16944272, 18546366). Therefore, this variant is classified as likely pathogenic according to the recommendation of ACMG/AMP guideline.

Literature cited by the submitters: PubMed 18546366 (cited by 4 submitters); PubMed 16944272 (cited by 4 submitters); PubMed 30530636 (cited by Labcorp Genetics (formerly Invitae), Labcorp and Mayo Clinic Laboratories, Mayo Clinic); PubMed 17576681 (cited by Labcorp Genetics (formerly Invitae), Labcorp); PubMed 9536098 (cited by Labcorp Genetics (formerly Invitae), Labcorp); PubMed 31370276 (cited by Labcorp Genetics (formerly Invitae), Labcorp); PubMed 33877690 (cited by Mayo Clinic Laboratories, Mayo Clinic).